The following is an entry in ClinVar:

ClinVar aggregate classification (germline): Uncertain significance (1 of 4 stars; one submission).

Submission:

CeGaT Center for Human Genetics Tuebingen
Classification: Uncertain significance. Last evaluated: 2024-08-01. Review status: criteria provided, single submitter. Criteria: CeGaT Center For Human Genetics Tuebingen Variant Classification Criteria Version 2. Collection method: clinical testing. Allele origin: germline. Affected: yes. Observed: 1 variant allele.
Comment: PRKD1: PM2, BP4

NM_002742.3(PRKD1):c.679C>T (p.Pro227Ser)

Gene: PRKD1 (protein kinase D1; minus strand). Cytogenetic location: 14q12.
Variant type: single nucleotide variant.
Coding change: c.679C>T on transcript NM_002742.3 (MANE Select); coding-DNA position 679, C replaced by T.
Protein change: p.Pro227Ser; replaces proline 227 with serine.
Molecular consequence: missense variant.
Genome position (GRCh38, 1-based): chr14:29,663,716, G>A on the plus strand (C>T on the coding strand, the complement: PRKD1 is on the minus strand). VCF-style: chr14-29663716-G-A. GRCh37 (hg19) VCF-style: chr14-30132922-G-A.
Other names: c.679C>T, p.Pro227Ser (NM_001330069.2); c.391C>T, p.Pro131Ser (NM_001348390.1); short protein forms P131S, P227S.
Identifiers: ClinVar variation 3341876 (VCV003341876.16).
Genomic context (GRCh38, chr14:29,663,716, plus strand): 5'-ATTTCTCATGTAAATGGGGAAGTGGGTAAACAGGAAGCCATACCAGAAGGGGCTCATCAG[G>A]GGCACTTGTAGAGAGTTCAGCAGATGATGTGCGGATGGTGCTGACCCCAGTGAGGGAAAC-3'
Protein context (NP_002733.2, residues 217-237): TSSAELSTSA[Pro227Ser]DEPLLQKSPS